The following is an entry in ClinVar:

ClinVar aggregate classification (germline): Uncertain significance. Review status: criteria provided, multiple submitters, no conflicts (2 of 4 stars). 2 submissions from 2 submitters: Uncertain significance (2). Last evaluated 2023-10-17.

Conditions:
Cone-rod dystrophy 21. Also called: Retinal dystrophy with early macular involvement. Identifiers: Orphanet 1872, MedGen C4049066, MONDO:0014669, OMIM 616502, HP:0030635.

Submissions (2):

3billion
Classification: Uncertain significance for Cone-rod dystrophy 21. Last evaluated: 2023-10-17. Review status: criteria provided, single submitter. Criteria: ACMG Guidelines, 2015. Collection method: clinical testing. Allele origin: germline. Affected: yes.
Comment: The variant is not observed in the gnomAD v2.1.1 dataset. Predicted Consequence/Location: The majority of the known disease-causing variants of this gene are variants expected to result in premature termination of the protein. Premature termination of the protein is a common disease-causing mechanism for this gene. In silico tool predictions suggest damaging effect of the variant on gene or gene product [3Cnet: 0.75 (>=0.6, sensitivity 0.72 and precision 0.9)]. Therefore, this variant is classified as VUS according to the recommendation of ACMG/AMP guideline.

Labcorp Genetics (formerly Invitae), Labcorp
Classification: Uncertain significance. Last evaluated: 2022-09-27. Review status: criteria provided, single submitter. Criteria: Invitae Variant Classification Sherloc (09022015). Collection method: clinical testing. Allele origin: germline.
Comment: This sequence change replaces aspartic acid, which is acidic and polar, with glycine, which is neutral and non-polar, at codon 45 of the DRAM2 protein (p.Asp45Gly). This variant is not present in population databases (gnomAD no frequency). In summary, the available evidence is currently insufficient to determine the role of this variant in disease. Therefore, it has been classified as a Variant of Uncertain Significance. Algorithms developed to predict the effect of missense changes on protein structure and function are either unavailable or do not agree on the potential impact of this missense change (SIFT: "Tolerated"; PolyPhen-2: "Probably Damaging"; Align-GVGD: "Class C0"). ClinVar contains an entry for this variant (Variation ID: 1382952). This variant has not been reported in the literature in individuals affected with DRAM2-related conditions.

NM_001349884.2(DRAM2):c.134A>G (p.Asp45Gly)

Gene: DRAM2 (DNA damage regulated autophagy modulator 2; minus strand). Cytogenetic location: 1p13.3.
Variant type: single nucleotide variant.
Coding change: c.134A>G on transcript NM_001349884.2 (MANE Select); coding-DNA position 134, A replaced by G.
Protein change: p.Asp45Gly; replaces aspartic acid 45 with glycine.
Molecular consequence: missense variant. On other transcripts: 5 prime UTR variant (8), non-coding transcript variant (8).
Genome position (GRCh38, 1-based): chr1:111,126,292, T>C on the plus strand (A>G on the coding strand, the complement: DRAM2 is on the minus strand). VCF-style: chr1-111126292-T-C. GRCh37 (hg19) VCF-style: chr1-111668914-T-C.
Other names: c.134A>G, p.Asp45Gly (NM_001349881.2, NM_001349882.2, NM_001349885.2 and 1 more transcripts); c.-25A>G (NM_001349886.2, NM_001349887.2, NM_001349888.2); c.-117A>G (NM_001349889.2, NM_001349890.2, NM_001349892.2 and 1 more transcripts); c.-285A>G (NM_001349891.2); short protein forms D45G.
Identifiers: ClinVar variation 1382952 (VCV001382952.7), dbSNP rs1415986282, ClinGen allele CA341819582.